The following is an entry in ClinVar:

ClinVar aggregate classification (germline): Uncertain significance (1 of 4 stars; one submission).

Conditions:
Immunodeficiency 39 (IMD39). Identifiers: Orphanet 574918, MedGen C4225358, MONDO:0014597, OMIM 616345.

gnomAD v4.1: 6 of 1,599,468 alleles (0.00038%); highest among the groups gnomAD compares: East Asian, 0.0023%; no homozygotes.

Submission:

Labcorp Genetics (formerly Invitae), Labcorp
Classification: Uncertain significance for Immunodeficiency 39. Last evaluated: 2022-06-18. Review status: criteria provided, single submitter. Criteria: Invitae Variant Classification Sherloc (09022015). Collection method: clinical testing. Allele origin: germline.
Comment: In summary, the available evidence is currently insufficient to determine the role of this variant in disease. Therefore, it has been classified as a Variant of Uncertain Significance. Algorithms developed to predict the effect of missense changes on protein structure and function are either unavailable or do not agree on the potential impact of this missense change (SIFT: "Deleterious"; PolyPhen-2: "Probably Damaging"; Align-GVGD: "Class C0"). This variant has not been reported in the literature in individuals affected with IRF7-related conditions. The frequency data for this variant in the population databases is considered unreliable, as metrics indicate poor data quality at this position in the gnomAD database. This sequence change replaces glycine, which is neutral and non-polar, with serine, which is neutral and polar, at codon 38 of the IRF7 protein (p.Gly38Ser).

NM_001572.5(IRF7):c.73G>A (p.Gly25Ser)

Gene: IRF7 (interferon regulatory factor 7; minus strand). Cytogenetic location: 11p15.5.
Variant type: single nucleotide variant.
Coding change: c.73G>A on transcript NM_001572.5 (MANE Select); coding-DNA position 73, G replaced by A.
Protein change: p.Gly25Ser; replaces glycine 25 with serine.
Molecular consequence: missense variant.
Genome position (GRCh38, 1-based): chr11:615,207, C>T on the plus strand (G>A on the coding strand, the complement: IRF7 is on the minus strand). VCF-style: chr11-615207-C-T. GRCh37 (hg19) VCF-style: chr11-615207-C-T.
Other names: c.73G>A, p.Gly25Ser (NM_004029.4); c.112G>A, p.Gly38Ser (NM_004031.4); short protein forms G25S, G38S.
Identifiers: ClinVar variation 2007932 (VCV002007932.4), dbSNP rs756244722, ClinGen allele CA5784102.
Genomic context (GRCh38, chr11:615,207, plus strand): 5'-TCCAGGGCACGCGGAAACAGGTGCGGGCCTCGTCCAGCCACTGCAGCCCCTCATAGCAGC[C>T]GCTGCTGATCTCTCCAAGGAGCCACTCTCCGAACAGCACGCGTGGGGCTGCCCTGCGGGT-3'
Protein context (NP_001563.2, residues 15-35): GEWLLGEISS[Gly25Ser]CYEGLQWLDE